The following is an entry in ClinVar:

ClinVar aggregate classification (germline): Pathogenic. Review status: criteria provided, multiple submitters, no conflicts (2 of 4 stars). 2 submissions from 2 submitters: Pathogenic (2). Last evaluated 2025-08-18.

Conditions:
CCDC40-related disorder. Also called: CCDC40-related condition.
Primary ciliary dyskinesia. Also called: Ciliary dyskinesia. Identifiers: Orphanet 244, MedGen C0008780, MONDO:0016575, HP:0012265.

Submissions (2):

Labcorp Genetics (formerly Invitae), Labcorp
Classification: Pathogenic for Primary ciliary dyskinesia. Last evaluated: 2025-08-18. Review status: criteria provided, single submitter. Criteria: Invitae Variant Classification Sherloc (09022015). Collection method: clinical testing. Allele origin: germline.
Comment: This sequence change creates a premature translational stop signal (p.Ser581Alafs*86) in the CCDC40 gene. It is expected to result in an absent or disrupted protein product. Loss-of-function variants in CCDC40 are known to be pathogenic (PMID: 21131974, 22693285, 23255504). This variant is present in population databases (no rsID available, gnomAD 0.007%). This variant has not been reported in the literature in individuals affected with CCDC40-related conditions. ClinVar contains an entry for this variant (Variation ID: 2720299). For these reasons, this variant has been classified as Pathogenic.

Blueprint Genetics
Classification: Pathogenic for CCDC40-related disorders. Last evaluated: 2023-11-22. Review status: criteria provided, single submitter. Criteria: ACMG Guidelines, 2015. Collection method: clinical testing. Allele origin: germline. Affected: yes. Observed: 5 variant alleles.

Literature cited by the submitters: PubMed 21131974 (cited by Labcorp Genetics (formerly Invitae), Labcorp); PubMed 22693285 (cited by Labcorp Genetics (formerly Invitae), Labcorp); PubMed 23255504 (cited by Labcorp Genetics (formerly Invitae), Labcorp).

NM_017950.4(CCDC40):c.1741_1760del (p.Ser581fs)

Gene: CCDC40 (coiled-coil domain 40 molecular ruler complex subunit; plus strand). Cytogenetic location: 17q25.3.
Variant type: Deletion.
Coding change: c.1741_1760del on transcript NM_017950.4 (MANE Select); coding-DNA positions 1741 to 1760, 20 bases deleted (AGCCAGTTCAATACCTACAG).
Protein change: p.Ser581fs; shifts the reading frame from serine 581.
Molecular consequence: frameshift variant.
Genome position (GRCh38, 1-based): chr17:80,081,724-80,081,743, AGCCAGTTCAATACCTACAG deleted; deleting any 20 consecutive bases within chr17:80,081,721-80,081,743 gives the same sequence; the c. name uses the placement nearest the transcript's 3' end. VCF-style (leftmost placement, unchanged base first): chr17-80081720-GCAGAGCCAGTTCAATACCTA-G. GRCh37 (hg19) VCF-style: chr17-78055519-GCAGAGCCAGTTCAATACCTA-G.
Other names: c.1741_1760del, p.Ser581fs (NM_001243342.2); short protein forms S581fs.
Identifiers: ClinVar variation 2720299 (VCV002720299.4), dbSNP rs1487064371, ClinGen allele CA628018479.